The following is an entry in ClinVar:

NM_001042432.2(CLN3):c.265C>T (p.Arg89Ter)

Gene: CLN3 (CLN3 lysosomal/endosomal transmembrane protein, battenin; minus strand). Cytogenetic location: 16p12.1.
Variant type: single nucleotide variant.
Coding change: c.265C>T on transcript NM_001042432.2 (MANE Select); coding-DNA position 265, C replaced by T.
Protein change: p.Arg89Ter; replaces arginine 89 with a stop codon.
Molecular consequence: nonsense. On other transcripts: synonymous variant (1), intron variant (2).
Genome position (GRCh38, 1-based): chr16:28,488,620, G>A on the plus strand (C>T on the coding strand, the complement: CLN3 is on the minus strand). VCF-style: chr16-28488620-G-A. GRCh37 (hg19) VCF-style: chr16-28499941-G-A.
Other names: c.265C>T, p.Arg89Ter (NM_000086.2); c.45C>T, p.His15= (NM_001286105.2); c.103C>T, p.Arg35Ter (NM_001286110.2); c.60+670C>T (NM_001286109.2); c.222+670C>T (NM_001286104.2); short protein forms R89*, R35*.
Identifiers: ClinVar variation 56262 (VCV000056262.14), dbSNP rs386833713, ClinGen allele CA263650.

ClinVar aggregate classification (germline): Pathogenic/Likely pathogenic. Review status: criteria provided, multiple submitters, no conflicts (2 of 4 stars). 6 submissions from 6 submitters: Pathogenic (4); Likely pathogenic (1). 1 of the submissions does not count toward it. Last evaluated 2025-08-04.

Conditions:
Inborn genetic diseases. Identifiers: MedGen C0950123, MeSH D030342.
Neuronal ceroid lipofuscinosis 3 (CLN3). Identifiers: Orphanet 228346, MedGen C0751383, MONDO:0008767, OMIM 204200.
Juvenile neuronal ceroid lipofuscinosis. Also called: Batten Disease. Identifiers: Orphanet 79264, MedGen CN293564, MONDO:0019262.
Neuronal ceroid lipofuscinosis. Also called: Neuronal Ceroid Lipofuscinoses. Identifiers: Orphanet 216, Orphanet 79263, MedGen C0027877, MONDO:0016295. Disease mechanism: loss of function.

Allele frequency attached by ClinVar (database versions not stated): gnomAD exomes below 0.00001.

Submissions (6):

Natera, Inc.
Classification: Pathogenic for Batten Disease. Last evaluated: 2025-08-04. Review status: criteria provided, single submitter. Criteria: Natera Variant Classification Schema (03/2026). Collection method: clinical testing. Allele origin: germline.
Comment: The c.265C>T variant in CLN3 is a nonsense variant predicted to introduce a stop codon at amino acid 89. This variant is expected to result in nonsense mediated decay, truncation, or a dysfunctional protein product. This variant is rare in the general population with a frequency below the threshold expected for the associated phenotype(s). This variant has been observed in one or more individuals affected with the associated recessive disease, as either homozygous or compound heterozygous with a second variant (PMID: 21499717). Given the available evidence, this variant is classified as Pathogenic.

Baylor Genetics
Classification: Pathogenic for Neuronal ceroid lipofuscinosis 3. Last evaluated: 2024-03-22. Review status: criteria provided, single submitter. Criteria: ACMG Guidelines, 2015. Collection method: clinical testing. Allele origin: unknown.

Labcorp Genetics (formerly Invitae), Labcorp
Classification: Pathogenic for Neuronal ceroid lipofuscinosis. Last evaluated: 2024-02-22. Review status: criteria provided, single submitter. Criteria: Invitae Variant Classification Sherloc (09022015). Collection method: clinical testing. Allele origin: germline.
Comment: This sequence change creates a premature translational stop signal (p.Arg89*) in the CLN3 gene. It is expected to result in an absent or disrupted protein product. Loss-of-function variants in CLN3 are known to be pathogenic (PMID: 9311735, 28542676). This variant is not present in population databases (gnomAD no frequency). This premature translational stop signal has been observed in individual(s) with juvenile neuronal ceroid lipofuscinosis (PMID: 21499717). ClinVar contains an entry for this variant (Variation ID: 56262). Algorithms developed to predict the effect of sequence changes on RNA splicing suggest that this variant may disrupt the consensus splice site. For these reasons, this variant has been classified as Pathogenic.

Women's Health and Genetics/Laboratory Corporation of America, LabCorp
Classification: Likely pathogenic for Neuronal ceroid lipofuscinosis. Last evaluated: 2020-05-14. Review status: criteria provided, single submitter. Criteria: LabCorp Variant Classification Summary - May 2015. Collection method: clinical testing. Allele origin: germline.
Comment: Variant summary: CLN3 c.265C>T (p.Arg89X) results in a premature termination codon, predicted to cause a truncation of the encoded protein or absence of the protein due to nonsense mediated decay, which are commonly known mechanisms for disease. Truncations downstream of this position have been classified as pathogenic by our laboratory. The variant was absent in 251492 control chromosomes (gnomAD). c.265C>T has been reported in the literature in one homozygous individual affected with Juvenile Neuronal Ceroid-Lipofuscinosis (Juvenile Batten Disease) (Perez-Poyato_2011). These data indicate that the variant may be associated with disease. To our knowledge, no experimental evidence demonstrating an impact on protein function has been reported. No clinical diagnostic laboratories have submitted clinical-significance assessments for this variant to ClinVar after 2014. Based on the evidence outlined above, the variant was classified as likely pathogenic.

Ambry Genetics
Classification: Pathogenic for Inborn genetic diseases. Last evaluated: 2015-12-15. Review status: criteria provided, single submitter. Criteria: Ambry Variant Classification Scheme 2023. Collection method: clinical testing. Allele origin: germline.
Comment: The p.R89* pathogenic mutation (also known as c.265C>T), located in coding exon 4 of the CLN3 gene, results from a C to T substitution at nucleotide position 265. This changes the amino acid from an arginine to a stop codon within coding exon 4. In addition to the clinical data presented in the literature, since premature stop codons are typically deleterious in nature, this alteration is interpreted as a disease-causing mutation (ACMG Recommendations for Standards for Interpretation and Reporting of Sequence Variations. Revision 2007. Genet Med. 2008;10:294).

Juha Muilu Group; Institute for Molecular Medicine Finland (FIMM)
Classification: Likely pathogenic for Juvenile neuronal ceroid lipofuscinosis. Review status: no assertion criteria provided. Collection method: not provided. Allele origin: unknown. Not counted in ClinVar's aggregate classification.
Comment: FinDis database variant: This variant was not found or characterized by our laboratory, data were collected from public sources: see reference
ClinVar note: Converted during submission from probable-pathogenic to Likely pathogenic.

Literature cited by the submitters: PubMed 21499717 (cited by 4 submitters); PubMed 9311735 (cited by Labcorp Genetics (formerly Invitae), Labcorp); PubMed 28542676 (cited by Labcorp Genetics (formerly Invitae), Labcorp); PubMed 21990111 (cited by Women's Health and Genetics/Laboratory Corporation of America, LabCorp); PubMed 31568712 (cited by Women's Health and Genetics/Laboratory Corporation of America, LabCorp).